The following is an entry in ClinVar:

ClinVar aggregate classification (germline): Conflicting classifications of pathogenicity. Review status: criteria provided, conflicting classifications (1 of 4 stars). 7 submissions from 5 submitters: Uncertain significance (2); Benign (1); Likely benign (4). Last evaluated 2026-01-26.

Conditions:
Idiopathic Pulmonary Fibrosis. Also called: Idiopathic fibrosing alveolitis, chronic form; idiopathic fibrosing alveolitis. Identifiers: Orphanet 2032, MedGen C1800706, MeSH D054990, MONDO:0800504.
Dyskeratosis congenita, autosomal dominant 2. Identifiers: MedGen C3151443, MONDO:0013521, OMIM 613989.
Pulmonary fibrosis and/or bone marrow failure, Telomere-related, 1. Also called: PULMONARY FIBROSIS AND/OR BONE MARROW FAILURE SYNDROME, TELOMERE-RELATED, 1. Identifiers: Orphanet 88, MedGen C3553617, MONDO:0013878, OMIM 614742.
Aplastic anemia. Identifiers: Orphanet 182040, Orphanet 88, MedGen C0002874, MONDO:0015909, OMIM 609135, HP:0001915.
Dyskeratosis congenita. Identifiers: Orphanet 1775, MedGen C0265965, MONDO:0015780.

Allele frequency attached by ClinVar (database versions not stated): gnomAD 0.00003; TOPMed 0.00003; gnomAD exomes 0.00006; ESP Exome Variant Server 0.00008; ExAC 0.00009.
gnomAD v4.1: 40 of 1,590,690 alleles (0.0025%); highest among the groups gnomAD compares: East Asian, 0.0023%; no homozygotes.

Submissions (7):

Labcorp Genetics (formerly Invitae), Labcorp
Classification: Likely benign for Dyskeratosis congenita, autosomal dominant 2; Idiopathic Pulmonary Fibrosis. Last evaluated: 2026-01-26. Review status: criteria provided, single submitter. Criteria: Invitae Variant Classification Sherloc (09022015). Collection method: clinical testing. Allele origin: germline.

Blueprint Genetics
Classification: Likely benign. Last evaluated: 2023-12-18. Review status: criteria provided, single submitter. Criteria: ACMG Guidelines, 2015. Collection method: clinical testing. Allele origin: germline.

Illumina Laboratory Services, Illumina
Classification: Uncertain significance for Aplastic anemia. Last evaluated: 2018-01-13. Review status: criteria provided, single submitter. Criteria: ICSL Variant Classification Criteria 13 December 2019. Collection method: clinical testing. Allele origin: germline.

Illumina Laboratory Services, Illumina
Classification: Benign for Pulmonary fibrosis and/or bone marrow failure, Telomere-related, 1. Last evaluated: 2018-01-13. Review status: criteria provided, single submitter. Criteria: ICSL Variant Classification Criteria 13 December 2019. Collection method: clinical testing. Allele origin: germline.
Comment: This variant was observed in the ICSL laboratory as part of a predisposition screen in an ostensibly healthy population. It had not been previously curated by ICSL or reported in the Human Gene Mutation Database (HGMD: prior to June 1st, 2018), and was therefore a candidate for classification through an automated scoring system. Utilizing variant allele frequency, disease prevalence and penetrance estimates, and inheritance mode, an automated score was calculated to assess if this variant is too frequent to cause the disease. Based on the score and internal cut-off values, a variant classified as benign is not then subjected to further curation. The score for this variant resulted in a classification of benign for this disease.

Illumina Laboratory Services, Illumina
Classification: Uncertain significance for Dyskeratosis congenita, autosomal dominant 2. Last evaluated: 2018-01-13. Review status: criteria provided, single submitter. Criteria: ICSL Variant Classification Criteria 13 December 2019. Collection method: clinical testing. Allele origin: germline.

Ambry Genetics
Classification: Likely benign for Dyskeratosis congenita. Last evaluated: 2017-10-16. Review status: criteria provided, single submitter. Criteria: Ambry Variant Classification Scheme 2023. Collection method: clinical testing. Allele origin: germline.

Laboratory for Molecular Medicine, Mass General Brigham Personalized Medicine
Classification: Likely benign. Last evaluated: 2015-09-30. Review status: criteria provided, single submitter. Criteria: LMM Criteria. Collection method: clinical testing. Allele origin: germline. Observed: 1 variant allele.
Comment: p.Pro278Pro in exon 2 of TERT: This variant is not expected to have clinical sig nificance because it does not alter an amino acid residue and is not located wit hin the splice consensus sequence. It has been identified in 3/25580 European ch romosomes by the Exome Aggregation Consortium (ExAC. org; dbSNP rs375423906).

NM_198253.3(TERT):c.834C>A (p.Pro278=)

Gene: TERT (telomerase reverse transcriptase; minus strand). Cytogenetic location: 5p15.33.
Variant type: single nucleotide variant.
Coding change: c.834C>A on transcript NM_198253.3 (MANE Select); coding-DNA position 834, C replaced by A.
Protein change: p.Pro278=; no amino-acid change (proline 278 retained).
Molecular consequence: synonymous variant. On other transcripts: non-coding transcript variant (2).
Genome position (GRCh38, 1-based): chr5:1,294,052, G>T on the plus strand (C>A on the coding strand, the complement: TERT is on the minus strand). VCF-style: chr5-1294052-G-T. GRCh37 (hg19) VCF-style: chr5-1294167-G-T.
Other names: c.834C>A, p.Pro278= (NM_001193376.3).
Identifiers: ClinVar variation 228007 (VCV000228007.23), dbSNP rs375423906, ClinGen allele CA3184905.